The following is an entry in ClinVar:

NM_007259.5(VPS45):c.38A>G (p.Lys13Arg)

Gene: VPS45 (vacuolar protein sorting 45 homolog; plus strand). Cytogenetic location: 1q21.2.
Variant type: single nucleotide variant.
Coding change: c.38A>G on transcript NM_007259.5 (MANE Select); coding-DNA position 38, A replaced by G.
Protein change: p.Lys13Arg; replaces lysine 13 with arginine.
Molecular consequence: missense variant. On other transcripts: 5 prime UTR variant (1), non-coding transcript variant (1), intron variant (1).
Genome position (GRCh38, 1-based): chr1:150,067,895, A>G. VCF-style: chr1-150067895-A-G. GRCh37 (hg19) VCF-style: chr1-150039952-A-G.
Other names: c.-91A>G (NM_001279354.2); c.-16+289A>G (NM_001279353.2); c.38A>G (NM_007259.3); short protein forms K13R.
Identifiers: ClinVar variation 1506686 (VCV001506686.6), dbSNP rs139992347, ClinGen allele CA1073019.

ClinVar aggregate classification (germline): Uncertain significance. Review status: criteria provided, multiple submitters, no conflicts (2 of 4 stars). 2 submissions from 2 submitters: Uncertain significance (2). Last evaluated 2023-12-31.

Conditions:
Congenital neutropenia-myelofibrosis-nephromegaly syndrome. Also called: Severe congenital neutropenia 5, autosomal recessive. Identifiers: Orphanet 369852, MedGen C3809031, MONDO:0014118, OMIM 615285.
Inborn genetic diseases. Identifiers: MedGen C0950123, MeSH D030342.

Allele frequency attached by ClinVar (database versions not stated): gnomAD exomes 0.00001 and 0.00009; ExAC 0.00002; TOPMed 0.00003; gnomAD 0.00005 and 0.00006; ESP Exome Variant Server 0.00015.
gnomAD v4.1: 142 of 1,614,096 alleles (0.0088%); highest among the groups gnomAD compares: Non-Finnish European, 0.012%; no homozygotes.

Submissions (2):

Ambry Genetics
Classification: Uncertain significance for Inborn genetic diseases. Last evaluated: 2023-12-31. Review status: criteria provided, single submitter. Criteria: Ambry Variant Classification Scheme 2023. Collection method: clinical testing. Allele origin: germline.

Labcorp Genetics (formerly Invitae), Labcorp
Classification: Uncertain significance for Congenital neutropenia-myelofibrosis-nephromegaly syndrome. Last evaluated: 2022-07-06. Review status: criteria provided, single submitter. Criteria: Invitae Variant Classification Sherloc (09022015). Collection method: clinical testing. Allele origin: germline.
Comment: This sequence change replaces lysine, which is basic and polar, with arginine, which is basic and polar, at codon 13 of the VPS45 protein (p.Lys13Arg). This variant is present in population databases (rs139992347, gnomAD 0.008%). This variant has not been reported in the literature in individuals affected with VPS45-related conditions. ClinVar contains an entry for this variant (Variation ID: 1506686). Algorithms developed to predict the effect of missense changes on protein structure and function are either unavailable or do not agree on the potential impact of this missense change (SIFT: "Deleterious"; PolyPhen-2: "Benign"; Align-GVGD: "Class C0"). In summary, the available evidence is currently insufficient to determine the role of this variant in disease. Therefore, it has been classified as a Variant of Uncertain Significance.